The following is an entry in ClinVar:

ClinVar aggregate classification (germline): Likely benign (1 of 4 stars; one submission).

Conditions:
OTUD7A-related disorder. Also called: OTUD7A-related condition.

Submission:

PreventionGenetics, part of Exact Sciences
Classification: Likely benign for OTUD7A-related condition. Last evaluated: 2026-07-09. Review status: criteria provided, single submitter. Criteria: ACMG Guidelines, 2015. Collection method: clinical testing. Allele origin: germline.
Comment: This variant is classified as likely benign based on ACMG/AMP sequence variant interpretation guidelines (Richards et al. 2015 PMID: 25741868, with internal and published modifications).

NM_001382637.1(OTUD7A):c.2319A>G (p.Pro773=)

Gene: OTUD7A (OTU deubiquitinase 7A; minus strand). Cytogenetic location: 15q13.3.
Variant type: single nucleotide variant.
Coding change: c.2319A>G on transcript NM_001382637.1 (MANE Select); coding-DNA position 2319, A replaced by G.
Protein change: p.Pro773=; no amino-acid change (proline 773 retained).
Molecular consequence: synonymous variant.
Genome position (GRCh38, 1-based): chr15:31,483,777, T>C on the plus strand (A>G on the coding strand, the complement: OTUD7A is on the minus strand). VCF-style: chr15-31483777-T-C. GRCh37 (hg19) VCF-style: chr15-31775980-T-C.
Other names: c.2298A>G, p.Pro766= (NM_130901.3).
Identifiers: ClinVar variation 4990266 (VCV004990266.1).